The following is an entry in ClinVar:

ClinVar aggregate classification (germline): Uncertain significance (0 of 4 stars; one submission).

Conditions:
CEP290-related disorder. Also called: CEP290-related condition; CEP290-related disorders. Identifiers: MedGen CN239314.

Submission:

PreventionGenetics, part of Exact Sciences
Classification: Uncertain significance for CEP290-related condition. Last evaluated: 2024-04-30. Review status: no assertion criteria provided. Collection method: clinical testing. Allele origin: germline.
Comment: The CEP290 c.127G>A variant is predicted to result in the amino acid substitution p.Glu43Lys. To our knowledge, this variant has not been reported in the literature or in a large population database, indicating this variant is rare. At this time, the clinical significance of this variant is uncertain due to the absence of conclusive functional and genetic evidence.

NM_025114.4(CEP290):c.127G>A (p.Glu43Lys)

Gene: CEP290 (centrosomal protein 290; minus strand). Cytogenetic location: 12q21.32.
Variant type: single nucleotide variant.
Coding change: c.127G>A on transcript NM_025114.4 (MANE Select); coding-DNA position 127, G replaced by A.
Protein change: p.Glu43Lys; replaces glutamic acid 43 with lysine.
Molecular consequence: missense variant.
Genome position (GRCh38, 1-based): chr12:88,141,009, C>T on the plus strand (G>A on the coding strand, the complement: CEP290 is on the minus strand). VCF-style: chr12-88141009-C-T. GRCh37 (hg19) VCF-style: chr12-88534786-C-T.
Other names: short protein forms E43K.
Identifiers: ClinVar variation 3355573 (VCV003355573.1).